The following is an entry in ClinVar:

NM_024675.4(PALB2):c.379C>T (p.His127Tyr)

Gene: PALB2 (partner and localizer of BRCA2; minus strand). Cytogenetic location: 16p12.2.
Variant type: single nucleotide variant.
Coding change: c.379C>T on transcript NM_024675.4 (MANE Select); coding-DNA position 379, C replaced by T.
Protein change: p.His127Tyr; replaces histidine 127 with tyrosine.
Molecular consequence: missense variant.
Genome position (GRCh38, 1-based): chr16:23,636,167, G>A on the plus strand (C>T on the coding strand, the complement: PALB2 is on the minus strand). VCF-style: chr16-23636167-G-A. GRCh37 (hg19) VCF-style: chr16-23647488-G-A.
Other names: short protein forms H127Y.
Identifiers: ClinVar variation 619709 (VCV000619709.13), dbSNP rs1056494105, ClinGen allele CA279500141.
Genomic context (GRCh38, chr16:23,636,167, plus strand): 5'-TTCTGCTTGGCAGCTTCTGCTTTTGCTCACCACTAGGGTCACTGACCCTGTGGGGAAAAT[G>A]TTCTTGGGTGTCATCTGTTCTTTGTATAGGTAATCCTCCTGGGCCATCTCCAGGGTTAAA-3'
Protein context (NP_078951.2, residues 117-137): PIQRTDDTQE[His127Tyr]FPHRVSDPSG

ClinVar aggregate classification (germline): Conflicting classifications of pathogenicity. Review status: criteria provided, conflicting classifications (1 of 4 stars). 4 submissions from 4 submitters: Uncertain significance (3); Likely benign (1). Last evaluated 2025-10-13.

Conditions:
Hereditary cancer-predisposing syndrome. Also called: Neoplastic Syndromes, Hereditary; Hereditary neoplastic syndrome; Tumor predisposition; Hereditary Cancer Syndrome. Identifiers: Orphanet 140162, MedGen C0027672, MeSH D009386, MONDO:0015356.
Familial cancer of breast. Also called: hereditary breast carcinoma; Hereditary breast cancer; BREAST CANCER, FAMILIAL. Identifiers: Orphanet 227535, MedGen C0346153, MONDO:0016419, OMIM 114480. Disease mechanism: loss of function.

Allele frequency attached by ClinVar (database versions not stated): gnomAD exomes below 0.00001; gnomAD 0.00001; TOPMed 0.00001.

Submissions (4):

Labcorp Genetics (formerly Invitae), Labcorp
Classification: Uncertain significance for Familial cancer of breast. Last evaluated: 2025-10-13. Review status: criteria provided, single submitter. Criteria: Invitae Variant Classification Sherloc (09022015). Collection method: clinical testing. Allele origin: germline.
Comment: This sequence change replaces histidine, which is basic and polar, with tyrosine, which is neutral and polar, at codon 127 of the PALB2 protein (p.His127Tyr). This variant is not present in population databases (gnomAD no frequency). This variant has not been reported in the literature in individuals affected with PALB2-related conditions. ClinVar contains an entry for this variant (Variation ID: 619709). An algorithm developed to predict the effect of missense changes on protein structure and function (PolyPhen-2) suggests that this variant is likely to be tolerated. In summary, the available evidence is currently insufficient to determine the role of this variant in disease. Therefore, it has been classified as a Variant of Uncertain Significance.

Ambry Genetics
Classification: Likely benign for Hereditary cancer-predisposing syndrome. Last evaluated: 2024-03-27. Review status: criteria provided, single submitter. Criteria: Ambry Variant Classification Scheme 2023. Collection method: clinical testing. Allele origin: germline.

GeneDx
Classification: Uncertain significance. Last evaluated: 2019-11-22. Review status: criteria provided, single submitter. Criteria: GeneDx Variant Classification Process June 2021. Collection method: clinical testing. Allele origin: germline. Affected: yes.
Comment: Not observed in large population cohorts (Lek 2016); In silico analysis, which includes protein predictors and evolutionary conservation, supports a deleterious effect; Has not been previously published as pathogenic or benign to our knowledge

Quest Diagnostics Nichols Institute San Juan Capistrano
Classification: Uncertain significance. Last evaluated: 2018-07-10. Review status: criteria provided, single submitter. Criteria: Quest Diagnostics criteria. Collection method: clinical testing. Allele origin: germline.